The following is an entry in ClinVar:

ClinVar aggregate classification (germline): Likely pathogenic (1 of 4 stars; one submission).

Conditions:
Fanconi anemia (FA). Also called: Fanconi's anemia. Identifiers: Orphanet 84, MedGen C0015625, MeSH D005199, MONDO:0019391.

Submission:

Labcorp Genetics (formerly Invitae), Labcorp
Classification: Likely pathogenic for Fanconi anemia. Last evaluated: 2022-12-07. Review status: criteria provided, single submitter. Criteria: Invitae Variant Classification Sherloc (09022015). Collection method: clinical testing. Allele origin: unknown.
Comment: This variant disrupts the C-terminal ERCC4 nuclease domain and the helix-hairpin-helix (HhH) motifs of the FANCM protein, which are critical for the interaction between FANCM and FAAP24, chromatin localization of the FANCM/FAAP24 complex and the activation of the FA core complex (PMID: 17289582, 23932590, 18174376, 19379763, 24003026). While functional studies have not been performed to directly test the effect of this variant on FANCM protein function, this suggests that disruption of this region of the protein may be causative of disease. This variant has not been reported in the literature in individuals affected with FANCM-related conditions. This variant is a gross deletion of the genomic region encompassing exon(s) 22-23 of the FANCM gene, which includes the termination codon. This deletion extends beyond the assayed region for this gene and therefore may encompass additional genes. While this deletion is not anticipated to lead to nonsense mediated decay, it is expected to alter mRNA translation or result in a truncated protein product. In summary, the currently available evidence indicates that the variant is pathogenic, but additional data are needed to prove that conclusively. Therefore, this variant has been classified as Likely Pathogenic.

Literature cited by the submitters: PubMed 17289582; PubMed 23932590; PubMed 18174376; PubMed 19379763; PubMed 24003026.

NC_000014.8:g.(?_45667837)_(45669211_?)del

Gene: FANCM (FA complementation group M; plus strand). Cytogenetic location: 14q21.2.
Variant type: Deletion.
Identifiers: ClinVar variation 3243940 (VCV003243940.1).